The following is an entry in ClinVar:

ClinVar aggregate classification (germline): Uncertain significance (1 of 4 stars; one submission).

gnomAD v4.1: 32 of 1,514,224 alleles (0.0021%); highest among the groups gnomAD compares: Non-Finnish European, 0.0027%; no homozygotes.

Submission:

Dasa
Classification: Uncertain significance. Last evaluated: 2026-03-28. Review status: criteria provided, single submitter. Criteria: DASA Assertion Criteria. Collection method: clinical testing. Allele origin: germline.
Comment: NM_001347886.2(DNAH3):c.8325G>T (p.Lys2775Asn) is a missense variant that results in the substitution of lysine with asparagine. This variant is rare in population databases. The currently available literature and clinical evidence are not sufficient to establish a definitive association between this variant and the reported condition. Therefore, this variant is classified as a variant of uncertain significance.

NM_001347886.2(DNAH3):c.8325G>T (p.Lys2775Asn)

Gene: DNAH3 (dynein axonemal heavy chain 3; minus strand). Cytogenetic location: 16p12.3.
Variant type: single nucleotide variant.
Coding change: c.8325G>T on transcript NM_001347886.2 (MANE Select); coding-DNA position 8325, G replaced by T.
Protein change: p.Lys2775Asn; replaces lysine 2775 with asparagine.
Molecular consequence: missense variant.
Genome position (GRCh38, 1-based): chr16:20,965,421, C>A on the plus strand (G>T on the coding strand, the complement: DNAH3 is on the minus strand). VCF-style: chr16-20965421-C-A. GRCh37 (hg19) VCF-style: chr16-20976743-C-A.
Other names: c.8463G>T, p.Lys2821Asn (NM_017539.2); short protein forms K2775N, K2821N.
Identifiers: ClinVar variation 4883224 (VCV004883224.2).